The following is an entry in ClinVar:

ClinVar aggregate classification (germline): Benign/Likely benign. Review status: criteria provided, single submitter (1 of 4 stars). 5 submissions from 1 submitter: Benign (3); Likely benign (2). Last evaluated 2018-01-12.

Conditions:
Sulfate transporter-related osteochondrodysplasia. Also called: DTDST-related dysplasias. Identifiers: MedGen CN120497. Disease mechanism: loss of function.
Achondrogenesis, type IB (ACG1B). Also called: Achondrogenesis Type 1B. Identifiers: Orphanet 932, Orphanet 93298, MedGen C0265274, MONDO:0010966, OMIM 600972.
Multiple epiphyseal dysplasia type 4 (EDM4). Also called: MULTIPLE EPIPHYSEAL DYSPLASIA WITH BILAYERED PATELLAE; MULTIPLE EPIPHYSEAL DYSPLASIA WITH CLUBFOOT; MULTIPLE EPIPHYSEAL DYSPLASIA, AUTOSOMAL RECESSIVE; SLC26A2-Related Multiple Epiphyseal Dysplasia; Multiple Epiphyseal Dysplasia, Recessive. Identifiers: Orphanet 93307, MedGen C1847593, MONDO:0009189, OMIM 226900.
Atelosteogenesis type II (AO2). Also called: NEONATAL OSSEOUS DYSPLASIA I; Neonatal osseous dysplasia 1; SLC26A2-Related Atelosteogenesis. Identifiers: Orphanet 56304, MedGen C1850554, MONDO:0009727, OMIM 256050.
Diastrophic dysplasia (DTD). Also called: Diastrophic dwarfism. Identifiers: Orphanet 628, MedGen C0220726, MONDO:0009107, OMIM 222600.

Allele frequency attached by ClinVar (database versions not stated): gnomAD 0.00540 and 0.00587; 1000 Genomes Project 0.00559; 1000 Genomes Project 30x 0.00609; TOPMed 0.00616.

Submissions (5):

Illumina Laboratory Services, Illumina
Classification: Likely benign for Osteochondrodysplasia. Last evaluated: 2018-01-12. Review status: criteria provided, single submitter. Criteria: ICSL Variant Classification Criteria 13 December 2019. Collection method: clinical testing. Allele origin: germline.
Comment: This variant was observed in the ICSL laboratory as part of a predisposition screen in an ostensibly healthy population. It had not been previously curated by ICSL or reported in the Human Gene Mutation Database (HGMD: prior to June 1st, 2018), and was therefore a candidate for classification through an automated scoring system. Utilizing variant allele frequency, disease prevalence and penetrance estimates, and inheritance mode, an automated score was calculated to assess if this variant is too frequent to cause the disease. Based on the score and internal cut-off values, a variant classified as likely benign is not then subjected to further curation. The score for this variant resulted in a classification of likely benign for this disease.

Illumina Laboratory Services, Illumina
Classification: Benign for Achondrogenesis, type IB. Last evaluated: 2018-01-12. Review status: criteria provided, single submitter. Criteria: ICSL Variant Classification Criteria 13 December 2019. Collection method: clinical testing. Allele origin: germline.
Comment: This variant was observed in the ICSL laboratory as part of a predisposition screen in an ostensibly healthy population. It had not been previously curated by ICSL or reported in the Human Gene Mutation Database (HGMD: prior to June 1st, 2018), and was therefore a candidate for classification through an automated scoring system. Utilizing variant allele frequency, disease prevalence and penetrance estimates, and inheritance mode, an automated score was calculated to assess if this variant is too frequent to cause the disease. Based on the score and internal cut-off values, a variant classified as benign is not then subjected to further curation. The score for this variant resulted in a classification of benign for this disease.

Illumina Laboratory Services, Illumina
Classification: Likely benign for Multiple epiphyseal dysplasia type 4. Last evaluated: 2018-01-12. Review status: criteria provided, single submitter. Criteria: ICSL Variant Classification Criteria 13 December 2019. Collection method: clinical testing. Allele origin: germline.
Comment: the same text as in the submission from Illumina Laboratory Services, Illumina above.

Illumina Laboratory Services, Illumina
Classification: Benign for Atelosteogenesis type II. Last evaluated: 2018-01-12. Review status: criteria provided, single submitter. Criteria: ICSL Variant Classification Criteria 13 December 2019. Collection method: clinical testing. Allele origin: germline.
Comment: the same text as in the submission from Illumina Laboratory Services, Illumina above.

Illumina Laboratory Services, Illumina
Classification: Benign for Diastrophic dysplasia. Last evaluated: 2018-01-12. Review status: criteria provided, single submitter. Criteria: ICSL Variant Classification Criteria 13 December 2019. Collection method: clinical testing. Allele origin: germline.
Comment: the same text as in the submission from Illumina Laboratory Services, Illumina above.

NM_000112.4(SLC26A2):c.*2780G>A

Gene: SLC26A2 (solute carrier family 26 member 2; plus strand). Cytogenetic location: 5q32.
Variant type: single nucleotide variant.
Coding change: c.*2780G>A on transcript NM_000112.4 (MANE Select); 2780 bases downstream of the stop codon, G replaced by A.
Molecular consequence: 3 prime UTR variant.
Genome position (GRCh38, 1-based): chr5:149,984,593, G>A. VCF-style: chr5-149984593-G-A. GRCh37 (hg19) VCF-style: chr5-149364156-G-A.
Identifiers: ClinVar variation 352068 (VCV000352068.5), dbSNP rs9324635, ClinGen allele CA10623503.